The following is an entry in ClinVar:

ClinVar aggregate classification (germline): Benign/Likely benign. Review status: criteria provided, multiple submitters, no conflicts (2 of 4 stars). 11 submissions from 10 submitters: Benign (7); Likely benign (2). 2 of the submissions do not count toward it. Last evaluated 2026-02-03.

Conditions:
KCNT1-related disorder. Also called: KCNT1-related condition.
Inborn genetic diseases. Identifiers: MedGen C0950123, MeSH D030342.
Developmental and epileptic encephalopathy, 14 (DEE14). Also called: Early infantile epileptic encephalopathy 14. Identifiers: Orphanet 293181, MedGen C3554195, MONDO:0013989, OMIM 614959.
Autosomal dominant nocturnal frontal lobe epilepsy 5. Also called: Epilepsy, nocturnal frontal lobe, 5; KCNT1-Related Epilepsy; CILIARY DYSKINESIA, PRIMARY, 28, WITHOUT SITUS INVERSUS; CILIARY DYSKINESIA, PRIMARY, 28, WITH SITUS INVERSUS. Identifiers: Orphanet 98784, MedGen C3554306, MONDO:0014002, OMIM 615005.

Allele frequency attached by ClinVar (database versions not stated): gnomAD exomes 0.00068 and 0.00148; ExAC 0.00237; gnomAD 0.00671 and 0.00629; 1000 Genomes Project 0.00599; TOPMed 0.00744; ESP Exome Variant Server 0.00496; 1000 Genomes Project 30x 0.00593.
gnomAD v4.1: 1,989 of 1,596,228 alleles (0.12%); highest among the groups gnomAD compares: African/African-American, 2.2%; 25 homozygotes.

Submissions (11):

Labcorp Genetics (formerly Invitae), Labcorp
Classification: Benign for Autosomal dominant nocturnal frontal lobe epilepsy 5; Developmental and epileptic encephalopathy, 14. Last evaluated: 2026-02-03. Review status: criteria provided, single submitter. Criteria: Invitae Variant Classification Sherloc (09022015). Collection method: clinical testing. Allele origin: germline.

Genome-Nilou Lab
Classification: Benign for Developmental and epileptic encephalopathy, 14. Last evaluated: 2022-03-15. Review status: criteria provided, single submitter. Criteria: ACMG Guidelines, 2015. Collection method: clinical testing. Allele origin: germline. Affected: no.

Genome-Nilou Lab
Classification: Likely benign for Autosomal dominant nocturnal frontal lobe epilepsy 5. Last evaluated: 2022-03-15. Review status: criteria provided, single submitter. Criteria: ACMG Guidelines, 2015. Collection method: clinical testing. Allele origin: germline. Affected: no.

Fulgent Genetics
Classification: Likely benign for Developmental and epileptic encephalopathy, 14; Autosomal dominant nocturnal frontal lobe epilepsy 5. Last evaluated: 2022-01-24. Review status: criteria provided, single submitter. Criteria: ACMG Guidelines, 2015. Collection method: clinical testing. Allele origin: unknown.

Mayo Clinic Laboratories, Mayo Clinic
Classification: Benign. Last evaluated: 2019-04-17. Review status: criteria provided, single submitter. Criteria: ACMG Guidelines, 2015. Collection method: clinical testing. Allele origin: germline. Observed: 6 variant alleles.

Ambry Genetics
Classification: Benign for Inborn genetic diseases. Last evaluated: 2016-10-11. Review status: criteria provided, single submitter. Criteria: Ambry Variant Classification Scheme 2023. Collection method: clinical testing. Allele origin: germline.

GeneDx
Classification: Benign. Last evaluated: 2016-02-18. Review status: criteria provided, single submitter. Criteria: GeneDx Variant Classification (06012015). Collection method: clinical testing. Allele origin: germline. Affected: yes.
Comment: This variant is considered likely benign or benign based on one or more of the following criteria: it is a conservative change, it occurs at a poorly conserved position in the protein, it is predicted to be benign by multiple in silico algorithms, and/or has population frequency not consistent with disease.

Eurofins Ntd Llc (ga)
Classification: Benign. Last evaluated: 2015-04-21. Review status: criteria provided, single submitter. Criteria: EGL Classification Definitions 2015. Collection method: clinical testing. Allele origin: germline. Observed: 3 variant alleles, 3 heterozygotes.

Breakthrough Genomics
Classification: Benign. Review status: criteria provided, single submitter. Criteria: ACMG Guidelines, 2015. Collection method: not provided. Allele origin: germline. Inheritance: Autosomal dominant inheritance. Affected: yes.

PreventionGenetics, part of Exact Sciences
Classification: Benign for KCNT1-related condition. Last evaluated: 2019-05-28. Review status: no assertion criteria provided. Collection method: clinical testing. Allele origin: germline. Not counted in ClinVar's aggregate classification.
Comment: This variant is classified as benign based on ACMG/AMP sequence variant interpretation guidelines (Richards et al. 2015 PMID: 25741868, with internal and published modifications).

Genetic Services Laboratory, University of Chicago
Classification: Likely benign for AllHighlyPenetrant. Review status: no assertion criteria provided. Collection method: clinical testing. Allele origin: germline. Inheritance: Autosomal dominant inheritance. Not counted in ClinVar's aggregate classification.
Comment: Likely benign based on allele frequency in 1000 Genomes Project or ESP global frequency and its presence in a patient with a rare or unrelated disease phenotype. NOT Sanger confirmed.

NM_020822.3(KCNT1):c.3312G>A (p.Leu1104=)

Gene: KCNT1 (potassium sodium-activated channel subfamily T member 1; plus strand). Cytogenetic location: 9q34.3.
Variant type: single nucleotide variant.
Coding change: c.3312G>A on transcript NM_020822.3 (MANE Select); coding-DNA position 3312, G replaced by A.
Protein change: p.Leu1104=; no amino-acid change (leucine 1104 retained).
Molecular consequence: synonymous variant.
Genome position (GRCh38, 1-based): chr9:135,786,331, G>A. VCF-style: chr9-135786331-G-A. GRCh37 (hg19) VCF-style: chr9-138678177-G-A.
Other names: p.Leu1104=; c.3177G>A, p.Leu1059= (NM_001272003.2).
Identifiers: ClinVar variation 129363 (VCV000129363.30), dbSNP rs149416418, ClinGen allele CA153314.
Genomic context (GRCh38, chr9:135,786,331, plus strand): 5'-CACCGGAGGCAGCTCCCAGGGCCGCCACACGGGCGGCGGTGACCCCGCAGAGCACCCACT[G>A]CTACGGCGCAAGAGCCTGCAGTGGGCCCGGAGGCTGAGCCGCAAGGCGCCCAAGCAGGCA-3'
Protein context (NP_065873.2, residues 1094-1114): TGGGDPAEHP[Leu1104=]LRRKSLQWAR